The following is an entry in ClinVar:

NM_001372051.1(CASP8):c.307G>T (p.Val103Phe)

Gene: CASP8 (caspase 8; plus strand). Cytogenetic location: 2q33.1.
Variant type: single nucleotide variant.
Coding change: c.307G>T on transcript NM_001372051.1 (MANE Select); coding-DNA position 307, G replaced by T.
Protein change: p.Val103Phe; replaces valine 103 with phenylalanine.
Molecular consequence: missense variant. On other transcripts: 5 prime UTR variant (12), non-coding transcript variant (19).
Genome position (GRCh38, 1-based): chr2:201,271,517, G>T. VCF-style: chr2-201271517-G-T. GRCh37 (hg19) VCF-style: chr2-202136240-G-T.
Other names: c.307G>T, p.Val103Phe (NM_001080124.2, NM_001400645.1, NM_001400648.1 and 20 more transcripts); c.484G>T, p.Val162Phe (NM_001080125.2, NM_001400642.1, NM_001400665.1); c.403G>T, p.Val135Phe (NM_001228.5); c.-3G>T (NM_001400669.1); c.-226G>T (NM_001400671.1, NM_001400672.1, NM_001400673.1 and 6 more transcripts); c.-407G>T (NM_001400674.1); c.-305G>T (NM_001400680.1); short protein forms V162F, V103F, V135F.
Identifiers: ClinVar variation 4760740 (VCV004760740.1).

ClinVar aggregate classification (germline): Uncertain significance (1 of 4 stars; one submission).

Conditions:
Autoimmune lymphoproliferative syndrome type 2B. Also called: AUTOIMMUNE LYMPHOPROLIFERATIVE SYNDROME, TYPE IIB. Identifiers: Orphanet 275517, MedGen C1846545, MONDO:0011804, OMIM 607271.

Submission:

Labcorp Genetics (formerly Invitae), Labcorp
Classification: Uncertain significance for Autoimmune lymphoproliferative syndrome type 2B. Last evaluated: 2026-01-12. Review status: criteria provided, single submitter. Criteria: Invitae Variant Classification Sherloc (09022015). Collection method: clinical testing. Allele origin: germline.
Comment: This sequence change replaces valine, which is neutral and non-polar, with phenylalanine, which is neutral and non-polar, at codon 135 of the CASP8 protein (p.Val135Phe). This variant is not present in population databases (gnomAD no frequency). This variant has not been reported in the literature in individuals affected with CASP8-related conditions. An algorithm developed to predict the effect of missense changes on protein structure and function (PolyPhen-2) suggests that this variant is likely to be tolerated. In summary, the available evidence is currently insufficient to determine the role of this variant in disease. Therefore, it has been classified as a Variant of Uncertain Significance.